The following is an entry in ClinVar:

ClinVar aggregate classification (germline): Uncertain significance (1 of 4 stars; one submission).

Submission:

Labcorp Genetics (formerly Invitae), Labcorp
Classification: Uncertain significance. Last evaluated: 2020-01-10. Review status: criteria provided, single submitter. Criteria: Invitae Variant Classification Sherloc (09022015). Collection method: clinical testing. Allele origin: germline.
Comment: This variant is not present in population databases (ExAC no frequency). This sequence change replaces alanine with serine at codon 133 of the TRPM1 protein (p.Ala133Ser). The alanine residue is highly conserved and there is a moderate physicochemical difference between alanine and serine. In summary, the available evidence is currently insufficient to determine the role of this variant in disease. Therefore, it has been classified as a Variant of Uncertain Significance. Algorithms developed to predict the effect of missense changes on protein structure and function (SIFT, PolyPhen-2, Align-GVGD) all suggest that this variant is likely to be disruptive, but these predictions have not been confirmed by published functional studies and their clinical significance is uncertain. This variant has not been reported in the literature in individuals with TRPM1-related conditions.

NM_001252024.2(TRPM1):c.463G>T (p.Ala155Ser)

Gene: TRPM1 (transient receptor potential cation channel subfamily M member 1; minus strand). Cytogenetic location: 15q13.3.
Variant type: single nucleotide variant.
Coding change: c.463G>T on transcript NM_001252024.2 (MANE Select); coding-DNA position 463, G replaced by T.
Protein change: p.Ala155Ser; replaces alanine 155 with serine.
Molecular consequence: missense variant.
Genome position (GRCh38, 1-based): chr15:31,067,909, C>A on the plus strand (G>T on the coding strand, the complement: TRPM1 is on the minus strand). VCF-style: chr15-31067909-C-A. GRCh37 (hg19) VCF-style: chr15-31360112-C-A.
Other names: c.514G>T, p.Ala172Ser (NM_001252020.2); c.397G>T, p.Ala133Ser (NM_002420.6); short protein forms A133S, A155S, A172S.
Identifiers: ClinVar variation 1052855 (VCV001052855.9), dbSNP rs2140963720, ClinGen allele CA391534250.